The following is an entry in ClinVar:

NM_002049.4(GATA1):c.65C>G (p.Ala22Gly)

Gene: GATA1 (GATA binding protein 1; plus strand). Cytogenetic location: Xp11.23.
Variant type: single nucleotide variant.
Coding change: c.65C>G on transcript NM_002049.4 (MANE Select); coding-DNA position 65, C replaced by G.
Protein change: p.Ala22Gly; replaces alanine 22 with glycine.
Molecular consequence: missense variant.
Genome position (GRCh38, 1-based): chrX:48,791,174, C>G. VCF-style: chrX-48791174-C-G. GRCh37 (hg19) VCF-style: chrX-48649581-C-G.
Other names: p.Ala22Gly; short protein forms A22G.
Identifiers: ClinVar variation 1951191 (VCV001951191.7), dbSNP rs139200954, ClinGen allele CA10404531.
Genomic context (GRCh38, chrX:48,791,174, plus strand): 5'-AGTTCCCTGGCCTGGGGTCCCTGGGGACCTCAGAGCCCCTCCCCCAGTTTGTGGATCCTG[C>G]TCTGGTGTCCTCCACACCAGAATCAGGGGTTTTCTTCCCCTCTGGGCCTGAGGGCTTGGA-3'
Protein context (NP_002040.1, residues 12-32): SEPLPQFVDP[Ala22Gly]LVSSTPESGV

ClinVar aggregate classification (germline): Benign/Likely benign. Review status: criteria provided, multiple submitters, no conflicts (2 of 4 stars). 3 submissions from 3 submitters: Benign (1); Likely benign (2). Last evaluated 2025-10-26.

Conditions:
Diamond-Blackfan anemia. Also called: Blackfan Diamond syndrome; Aregenerative anemia chronic congenital; Red cell aplasia, pure hereditary; Congenital hypoplastic anemia; Aase syndrome. Identifiers: Orphanet 124, MedGen C1260899, MeSH D029503, MONDO:0015253, HP:0004810.
GATA binding protein 1 related thrombocytopenia with dyserythropoiesis. Also called: GATA1-Related X-Linked Cytopenia; GATA1-Related Cytopenia. Identifiers: MedGen C1845837, MONDO:0100089.

Allele frequency attached by ClinVar (database versions not stated): TOPMed 0.00007; ESP Exome Variant Server 0.00019; gnomAD exomes 0.00044; gnomAD 0.00066; ExAC 0.00087.
gnomAD v4.1: 547 of 1,206,198 alleles (0.045%); highest among the groups gnomAD compares: Non-Finnish European, 0.0084%; 2 homozygotes.

Submissions (3):

Labcorp Genetics (formerly Invitae), Labcorp
Classification: Benign for GATA binding protein 1 related thrombocytopenia with dyserythropoiesis; Diamond-Blackfan anemia. Last evaluated: 2025-10-26. Review status: criteria provided, single submitter. Criteria: Invitae Variant Classification Sherloc (09022015). Collection method: clinical testing. Allele origin: germline.

Mayo Clinic Laboratories, Mayo Clinic
Classification: Likely benign. Last evaluated: 2025-01-22. Review status: criteria provided, single submitter. Criteria: ACMG Guidelines, 2015. Collection method: clinical testing. Allele origin: germline. Observed: 1 variant allele.
Comment: BS1_supporting, BS2, BP4, PM1_supporting

Blueprint Genetics
Classification: Likely benign. Last evaluated: 2024-11-28. Review status: criteria provided, single submitter. Criteria: ACMG Guidelines, 2015. Collection method: clinical testing. Allele origin: germline.